The following is an entry in ClinVar:

NM_006648.4(WNK2):c.4154C>A (p.Ala1385Asp)

Gene: WNK2 (WNK lysine deficient protein kinase 2; plus strand). Cytogenetic location: 9q22.31.
Variant type: single nucleotide variant.
Coding change: c.4154C>A on transcript NM_006648.4 (MANE Select); coding-DNA position 4154, C replaced by A.
Protein change: p.Ala1385Asp; replaces alanine 1385 with aspartic acid.
Molecular consequence: missense variant.
Genome position (GRCh38, 1-based): chr9:93,288,908, C>A. VCF-style: chr9-93288908-C-A. GRCh37 (hg19) VCF-style: chr9-96051190-C-A.
Other names: c.4265C>A, p.Ala1422Asp (NM_001282394.3); short protein forms A1385D, A1422D.
Identifiers: ClinVar variation 4605232 (VCV004605232.1).

ClinVar aggregate classification (germline): Uncertain significance (1 of 4 stars; one submission).

gnomAD v4.1: 5 of 1,606,404 alleles (0.00031%); highest among the groups gnomAD compares: Non-Finnish European, 0.00042%; no homozygotes.

Submission:

Ambry Genetics
Classification: Uncertain significance. Last evaluated: 2025-10-08. Review status: criteria provided, single submitter. Criteria: Ambry Variant Classification Scheme 2023. Collection method: clinical testing. Allele origin: germline.
Comment: The p.A1385D variant (also known as c.4154C>A), located in coding exon 19 of the WNK2 gene, results from a C to A substitution at nucleotide position 4154. The alanine at codon 1385 is replaced by aspartic acid, an amino acid with dissimilar properties. This amino acid position is conserved. In addition, this alteration is predicted to be tolerated by in silico analysis. Based on the available evidence, the clinical significance of this variant remains unclear.